The following is an entry in ClinVar:

ClinVar aggregate classification (germline): Uncertain significance. Review status: criteria provided, multiple submitters, no conflicts (2 of 4 stars). 2 submissions from 2 submitters: Uncertain significance (2). Last evaluated 2022-11-10.

Conditions:
Hereditary cancer-predisposing syndrome. Also called: Hereditary neoplastic syndrome; Neoplastic Syndromes, Hereditary; Tumor predisposition; Hereditary Cancer Syndrome. Identifiers: Orphanet 140162, MedGen C0027672, MeSH D009386, MONDO:0015356.
Renal cell carcinoma. Identifiers: Orphanet 217071, MedGen C0007134, MeSH D002292, MONDO:0005086, HP:0005584.

Allele frequency attached by ClinVar (database versions not stated): gnomAD exomes below 0.00001.
gnomAD v4.1: 2 of 1,613,454 alleles (0.00012%); highest among the groups gnomAD compares: Non-Finnish European, 0.00017%; no homozygotes.

Submissions (2):

Ambry Genetics
Classification: Uncertain significance for Hereditary cancer-predisposing syndrome. Last evaluated: 2022-11-10. Review status: criteria provided, single submitter. Criteria: Ambry Variant Classification Scheme 2023. Collection method: clinical testing. Allele origin: germline.
Comment: The p.I1200V variant (also known as c.3598A>G), located in coding exon 17 of the MET gene, results from an A to G substitution at nucleotide position 3598. The isoleucine at codon 1200 is replaced by valine, an amino acid with highly similar properties. This amino acid position is conserved. In addition, the in silico prediction for this alteration is inconclusive. Since supporting evidence is limited at this time, the clinical significance of this alteration remains unclear.

Labcorp Genetics (formerly Invitae), Labcorp
Classification: Uncertain significance for Renal cell carcinoma. Last evaluated: 2019-06-16. Review status: criteria provided, single submitter. Criteria: Invitae Variant Classification Sherloc (09022015). Collection method: clinical testing. Allele origin: germline.
Comment: This sequence change replaces isoleucine with valine at codon 1200 of the MET protein (p.Ile1200Val). The isoleucine residue is moderately conserved and there is a small physicochemical difference between isoleucine and valine. In summary, the available evidence is currently insufficient to determine the role of this variant in disease. Therefore, it has been classified as a Variant of Uncertain Significance. Algorithms developed to predict the effect of missense changes on protein structure and function are either unavailable or do not agree on the potential impact of this missense change (SIFT: "Tolerated"; PolyPhen-2: "Probably Damaging"; Align-GVGD: "Class C0"). This variant has not been reported in the literature in individuals with MET-related conditions. This variant is not present in population databases (ExAC no frequency).

NM_000245.4(MET):c.3544A>G (p.Ile1182Val)

Gene: MET (MET proto-oncogene, receptor tyrosine kinase; plus strand). Cytogenetic location: 7q31.2.
Variant type: single nucleotide variant.
Coding change: c.3544A>G on transcript NM_000245.4 (MANE Select); coding-DNA position 3544, A replaced by G.
Protein change: p.Ile1182Val; replaces isoleucine 1182 with valine.
Molecular consequence: missense variant.
Genome position (GRCh38, 1-based): chr7:116,782,009, A>G. VCF-style: chr7-116782009-A-G. GRCh37 (hg19) VCF-style: chr7-116422063-A-G.
Other names: c.3598A>G, p.Ile1200Val (NM_001127500.3); c.2254A>G, p.Ile752Val (NM_001324402.2); short protein forms I1200V, I1182V, I752V.
Identifiers: ClinVar variation 938834 (VCV000938834.11), dbSNP rs1795171767, ClinGen allele CA368990921.
Genomic context (GRCh38, chr7:116,782,009, plus strand): 5'-ATGCTTAGTTTATGCTTTTCTAACTCTCTTTGACTGCAGAATCCAACTGTAAAAGATCTT[A>G]TTGGCTTTGGTCTTCAAGTAGCCAAAGGCATGAAATATCTTGCAAGCAAAAAGTTTGTCC-3'
Protein context (NP_000236.2, residues 1172-1192): ETHNPTVKDL[Ile1182Val]GFGLQVAKGM